The following is an entry in ClinVar:

NM_000455.5(STK11):c.16C>A (p.Pro6Thr)

Gene: STK11 (serine/threonine kinase 11; plus strand). Cytogenetic location: 19p13.3.
Variant type: single nucleotide variant.
Coding change: c.16C>A on transcript NM_000455.5 (MANE Select); coding-DNA position 16, C replaced by A.
Protein change: p.Pro6Thr; replaces proline 6 with threonine.
Molecular consequence: missense variant.
Genome position (GRCh38, 1-based): chr19:1,206,929, C>A. VCF-style: chr19-1206929-C-A. GRCh37 (hg19) VCF-style: chr19-1206928-C-A.
Other names: short protein forms P6T.
Identifiers: ClinVar variation 651673 (VCV000651673.8), dbSNP rs1360284524, ClinGen allele CA402943031.

ClinVar aggregate classification (germline): Uncertain significance (1 of 4 stars; one submission).

Conditions:
Peutz-Jeghers syndrome (PJS). Also called: POLYPOSIS, HAMARTOMATOUS INTESTINAL; POLYPS-AND-SPOTS SYNDROME; Peutz-Jeghers polyposis; Periorificial lentiginosis syndrome. Identifiers: Orphanet 2869, MedGen C0031269, MeSH D010580, MONDO:0008280, OMIM 175200.

Submission:

Labcorp Genetics (formerly Invitae), Labcorp
Classification: Uncertain significance for Peutz-Jeghers syndrome. Last evaluated: 2018-07-02. Review status: criteria provided, single submitter. Criteria: Invitae Variant Classification Sherloc (09022015). Collection method: clinical testing. Allele origin: germline.
Comment: In summary, the available evidence is currently insufficient to determine the role of this variant in disease. Therefore, it has been classified as a Variant of Uncertain Significance. Algorithms developed to predict the effect of missense changes on protein structure and function (SIFT, PolyPhen-2, Align-GVGD) all suggest that this variant is likely to be tolerated, but these predictions have not been confirmed by published functional studies and their clinical significance is uncertain. This variant has not been reported in the literature in individuals with STK11-related disease. This variant is not present in population databases (ExAC no frequency). This sequence change replaces proline with threonine at codon 6 of the STK11 protein (p.Pro6Thr). The proline residue is moderately conserved and there is a small physicochemical difference between proline and threonine.